The following is an entry in ClinVar:

ClinVar aggregate classification (germline): Uncertain significance (1 of 4 stars; one submission).

Submission:

GeneDx
Classification: Uncertain significance. Last evaluated: 2025-04-24. Review status: criteria provided, single submitter. Criteria: GeneDx Variant Classification Process June 2021. Collection method: clinical testing. Allele origin: germline. Affected: yes.
Comment: Not observed at significant frequency in large population cohorts (gnomAD); In silico analysis indicates that this missense variant does not alter protein structure/function; Has not been previously published as pathogenic or benign to our knowledge

NM_138615.3(DHX30):c.3114G>C (p.Gln1038His)

Gene: DHX30 (DExH-box helicase 30; plus strand). Cytogenetic location: 3p21.31.
Variant type: single nucleotide variant.
Coding change: c.3114G>C on transcript NM_138615.3 (MANE Select); coding-DNA position 3114, G replaced by C.
Protein change: p.Gln1038His; replaces glutamine 1038 with histidine.
Molecular consequence: missense variant.
Genome position (GRCh38, 1-based): chr3:47,849,477, G>C. VCF-style: chr3-47849477-G-C. GRCh37 (hg19) VCF-style: chr3-47890967-G-C.
Other names: c.3030G>C, p.Gln1010His (NM_001330990.2); c.2997G>C, p.Gln999His (NM_014966.4); short protein forms Q1010H, Q1038H, Q999H.
Identifiers: ClinVar variation 4527350 (VCV004527350.1).